The following is an entry in ClinVar:

NM_000465.4(BARD1):c.1569-13C>G

Gene: BARD1 (BRCA1 associated RING domain 1; minus strand). Cytogenetic location: 2q35.
Variant type: single nucleotide variant.
Coding change: c.1569-13C>G on transcript NM_000465.4 (MANE Select); 13 bases into the intron before coding-DNA position 1569, C replaced by G.
Molecular consequence: intron variant.
Genome position (GRCh38, 1-based): chr2:214,752,568, G>C on the plus strand (C>G on the coding strand, the complement: BARD1 is on the minus strand). VCF-style: chr2-214752568-G-C. GRCh37 (hg19) VCF-style: chr2-215617292-G-C.
Other names: IVS6-13C>G; c.159-13C>G (NM_001282548.2); c.1512-13C>G (NM_001282543.2); c.216-13C>G (NM_001282545.2); c.365-22060C>G (NM_001282549.2).
Identifiers: ClinVar variation 127717 (VCV000127717.29), dbSNP rs587780018, ClinGen allele CA287516.

ClinVar aggregate classification (germline): Conflicting classifications of pathogenicity. Review status: criteria provided, conflicting classifications (1 of 4 stars). 9 submissions from 9 submitters: Likely pathogenic (1); Uncertain significance (8). Last evaluated 2026-01-12.

Conditions:
Hereditary cancer-predisposing syndrome. Also called: Neoplastic Syndromes, Hereditary; Hereditary Cancer Syndrome; Tumor predisposition; Hereditary neoplastic syndrome. Identifiers: Orphanet 140162, MedGen C0027672, MeSH D009386, MONDO:0015356.
Familial cancer of breast. Also called: BREAST CANCER, FAMILIAL; Hereditary breast cancer; hereditary breast carcinoma. Identifiers: Orphanet 227535, MedGen C0346153, MONDO:0016419, OMIM 114480. Disease mechanism: loss of function.

Allele frequency attached by ClinVar (database versions not stated): gnomAD exomes 0.00001 and 0.00002; ExAC 0.00002; gnomAD 0.00002; TOPMed 0.00001.
gnomAD v4.1: 12 of 1,590,798 alleles (0.00075%); highest among the groups gnomAD compares: Non-Finnish European, 0.001%; no homozygotes.

Submissions (9):

Labcorp Genetics (formerly Invitae), Labcorp
Classification: Uncertain significance for Familial cancer of breast. Last evaluated: 2026-01-12. Review status: criteria provided, single submitter. Criteria: Invitae Variant Classification Sherloc (09022015). Collection method: clinical testing. Allele origin: germline.
Comment: This sequence change falls in intron 6 of the BARD1 gene. It does not directly change the encoded amino acid sequence of the BARD1 protein. This variant is present in population databases (rs587780018, gnomAD 0.004%). This variant has been observed in individual(s) with breast cancer (PMID: 35264596, 35980532). ClinVar contains an entry for this variant (Variation ID: 127717). Studies have shown that this variant is associated with altered splicing resulting in multiple RNA products (internal data). In summary, the available evidence is currently insufficient to determine the role of this variant in disease. Therefore, it has been classified as a Variant of Uncertain Significance.

Dasa
Classification: Uncertain significance. Last evaluated: 2025-07-26. Review status: criteria provided, single submitter. Criteria: DASA Assertion Criteria. Collection method: clinical testing. Allele origin: germline.
Comment: NM_000465.4(BARD1):c.1569-13C>G is an intronic variant. This variant is rare in population databases. Computational prediction algorithms are consistent with a deleterious effect. The currently available literature and clinical evidence are not sufficient to establish a definitive association between this variant and the reported condition. Therefore, this variant is classified as a variant of uncertain significance.

Center for Genomic Medicine, Rigshospitalet, Copenhagen University Hospital
Classification: Uncertain significance. Last evaluated: 2025-03-04. Review status: criteria provided, single submitter. Criteria: ACMG Guidelines, 2015. Collection method: clinical testing. Allele origin: germline.

Ambry Genetics
Classification: Uncertain significance for Hereditary cancer-predisposing syndrome. Last evaluated: 2025-01-09. Review status: criteria provided, single submitter. Criteria: Ambry Variant Classification Scheme 2023. Collection method: clinical testing. Allele origin: germline.
Comment: The c.1569-13C>G intronic alteration consists of a C to G substitution 13 nucleotides before coding exon 7 in the BARD1 gene. Based on insufficient or conflicting evidence, the clinical significance of this alteration remains unclear.

GeneDx
Classification: Uncertain significance. Last evaluated: 2024-03-05. Review status: criteria provided, single submitter. Criteria: GeneDx Variant Classification Process June 2021. Collection method: clinical testing. Allele origin: germline. Affected: yes.
Comment: Not observed at significant frequency in large population cohorts (gnomAD); In silico analysis supports a deleterious effect on splicing; Observed in individuals with breast cancer or Lynch-related cancers and/or polyps (PMID: 25980754, 35264596); This variant is associated with the following publications: (PMID: 35264596, 25980754)

Baylor Genetics
Classification: Uncertain significance for Familial cancer of breast. Last evaluated: 2024-02-19. Review status: criteria provided, single submitter. Criteria: ACMG Guidelines, 2015. Collection method: clinical testing. Allele origin: unknown.

Color Diagnostics, LLC DBA Color Health
Classification: Uncertain significance for Hereditary cancer-predisposing syndrome. Last evaluated: 2023-11-01. Review status: criteria provided, single submitter. Criteria: ACMG Guidelines, 2015. Collection method: clinical testing. Allele origin: germline.
Comment: This variant causes a C to G nucleotide substitution at the -13 position of intron 6 of the BARD1 gene. Splice site prediction tools predict that this variant may impact RNA splicing, however, this prediction has not been confirmed in published RNA studies. This variant has been reported in an individual affected with breast cancer (PMID: 35264596) and an individual affected with Lynch syndrome-associated cancer and/or polyps (PMID: 25980754). This variant has been identified in 5/251050 chromosomes in the general population by the Genome Aggregation Database (gnomAD). The available evidence is insufficient to determine the role of this variant in disease conclusively. Therefore, this variant is classified as a Variant of Uncertain Significance.

Myriad Genetics, Inc.
Classification: Likely pathogenic for Familial cancer of breast. Last evaluated: 2023-09-29. Review status: criteria provided, single submitter. Criteria: Myriad Autosomal Dominant, Autosomal Recessive and X-Linked Classification Criteria (2023). Collection method: clinical testing. Allele origin: unknown.
Comment: This variant is considered likely pathogenic. This variant is strongly associated with more severe personal and family histories of cancer, typical for individuals with pathogenic variants in this gene [PMID: 25085752].

Mendelics
Classification: Uncertain significance for Familial cancer of breast. Last evaluated: 2018-07-02. Review status: criteria provided, single submitter. Criteria: Mendelics Assertion Criteria 2017. Collection method: clinical testing. Allele origin: unknown.

Literature cited by the submitters: PubMed 35264596 (cited by Labcorp Genetics (formerly Invitae), Labcorp and Color Diagnostics, LLC DBA Color Health); PubMed 35980532 (cited by Labcorp Genetics (formerly Invitae), Labcorp); PubMed 25980754 (cited by Color Diagnostics, LLC DBA Color Health); PubMed 25085752 (cited by Myriad Genetics, Inc.).